The following is an entry in ClinVar:

NM_001077350.3(NPRL3):c.169G>A (p.Glu57Lys)

Genes: HBA-LCR (alpha-globin locus control region; plus strand), NPRL3 (NPR3 like, GATOR1 complex subunit; minus strand). Cytogenetic location: 16p13.3.
Variant type: single nucleotide variant.
Coding change: c.169G>A on transcript NM_001077350.3 (MANE Select); coding-DNA position 169, G replaced by A.
Protein change: p.Glu57Lys; replaces glutamic acid 57 with lysine.
Molecular consequence: missense variant. On other transcripts: 5 prime UTR variant (2).
Genome position (GRCh38, 1-based): chr16:130,541, C>T on the plus strand (G>A on the coding strand, the complement: NPRL3 is on the minus strand). VCF-style: chr16-130541-C-T. GRCh37 (hg19) VCF-style: chr16-180540-C-T.
Other names: c.-164G>A (NM_001039476.3); c.-203G>A (NM_001243247.2); c.169G>A, p.Glu57Lys (NM_001243248.2, NM_001243249.2); short protein forms E57K.
Identifiers: ClinVar variation 1493522 (VCV001493522.6), dbSNP rs907712162, ClinGen allele CA276422796.
Genomic context (GRCh38, chr16:130,541, plus strand): 5'-CCAGGACACGCCCCGCCCTGAAGTGGCCGCAGAGCCTTTACCTGGAATCGCCGTCCTGCT[C>T]ATCAGCATGGTCGCCCGTGTTGCTGGCAGCGTATCTGCTACGCGGCTTACCTGAGTCGGG-3'
Protein context (NP_001070818.1, residues 47-67): AASNTGDHAD[Glu57Lys]QDGDSRFSDV

ClinVar aggregate classification (germline): Uncertain significance (1 of 4 stars; one submission).

Conditions:
Epilepsy, familial focal, with variable foci 3 (FFEVF3). Identifiers: MedGen C4310708, MONDO:0014925, OMIM 617118.

Allele frequency attached by ClinVar (database versions not stated): gnomAD exomes below 0.00001; TOPMed 0.00002.
gnomAD v4.1: 1 of 1,553,778 alleles (0.000064%); highest among the groups gnomAD compares: Non-Finnish European, 0.000087%; no homozygotes.

Submission:

Labcorp Genetics (formerly Invitae), Labcorp
Classification: Uncertain significance for Epilepsy, familial focal, with variable foci 3. Last evaluated: 2021-10-18. Review status: criteria provided, single submitter. Criteria: Invitae Variant Classification Sherloc (09022015). Collection method: clinical testing. Allele origin: germline.
Comment: Experimental studies and prediction algorithms are not available or were not evaluated, and the functional significance of this variant is currently unknown. In summary, the available evidence is currently insufficient to determine the role of this variant in disease. Therefore, it has been classified as a Variant of Uncertain Significance. This variant has not been reported in the literature in individuals with NPRL3-related conditions. This variant is not present in population databases (ExAC no frequency). This sequence change replaces glutamic acid with lysine at codon 57 of the NPRL3 protein (p.Glu57Lys). The glutamic acid residue is weakly conserved and there is a small physicochemical difference between glutamic acid and lysine.